The following is an entry in ClinVar:

ClinVar aggregate classification (germline): Benign (1 of 4 stars; one submission).

Allele frequency attached by ClinVar (database versions not stated): gnomAD 0.00935 and 0.01003; TOPMed 0.01032; ESP Exome Variant Server 0.01039; 1000 Genomes Project 0.01098; 1000 Genomes Project 30x 0.01296.
gnomAD v4.1: 2,726 of 1,566,610 alleles (0.17%); highest among the groups gnomAD compares: African/African-American, 3.2%; 42 homozygotes.

Submission:

Women's Health and Genetics/Laboratory Corporation of America, LabCorp
Classification: Benign. Last evaluated: 2017-11-27. Review status: criteria provided, single submitter. Criteria: LabCorp Variant Classification Summary - May 2015. Collection method: clinical testing. Allele origin: germline.
Comment: Variant summary: The ACAT1 c.731-28G>A variant involves the alteration of a non-conserved intronic nucleotide. One in silico tool predicts a benign outcome for this variant. 5/5 splice prediction tools predict no significant impact on normal splicing. However, these predictions have yet to be confirmed by functional studies. This variant was found in 849/269742 control chromosomes (13 homozygotes)(gnomAD), predominantly observed in the African subpopulation at a frequency of 0.032255 (762/23624). This frequency is about 11 times the estimated maximal expected allele frequency of a pathogenic ACAT1 variant (0.0028868), suggesting this is likely a benign polymorphism found primarily in the populations of African origin. The variant of interest has not, to our knowledge, been reported in affected individuals via publications and/or clinical diagnostic laboratories; nor evaluated for functional impact by in vivo/vitro studies. Taken together, this variant is classified as benign.

NM_000019.4(ACAT1):c.731-28G>A

Gene: ACAT1 (acetyl-CoA acetyltransferase 1; plus strand). Cytogenetic location: 11q22.3.
Variant type: single nucleotide variant.
Coding change: c.731-28G>A on transcript NM_000019.4 (MANE Select); 28 bases into the intron before coding-DNA position 731, G replaced by A.
Molecular consequence: intron variant.
Genome position (GRCh38, 1-based): chr11:108,141,577, G>A. VCF-style: chr11-108141577-G-A. GRCh37 (hg19) VCF-style: chr11-108012304-G-A.
Other names: c.731-28G>A (LRG_1400t1).
Identifiers: ClinVar variation 633030 (VCV000633030.1), dbSNP rs112489357, ClinGen allele CA6263202.